The following is an entry in ClinVar:

NM_014738.6(TMEM94):c.3978C>T (p.Ile1326=)

Gene: TMEM94 (transmembrane protein 94; plus strand). Cytogenetic location: 17q25.1.
Variant type: single nucleotide variant.
Coding change: c.3978C>T on transcript NM_014738.6 (MANE Select); coding-DNA position 3978, C replaced by T.
Protein change: p.Ile1326=; no amino-acid change (isoleucine 1326 retained).
Molecular consequence: synonymous variant.
Genome position (GRCh38, 1-based): chr17:75,499,062, C>T. VCF-style: chr17-75499062-C-T. GRCh37 (hg19) VCF-style: chr17-73495143-C-T.
Other names: c.4008C>T, p.Ile1336= (NM_001321148.2); c.3990C>T, p.Ile1330= (NM_001321149.2); c.3930C>T, p.Ile1310= (NM_001351202.2); c.4005C>T, p.Ile1335= (NM_001351203.2).
Identifiers: ClinVar variation 3056123 (VCV003056123.2), dbSNP rs766289216, ClinGen allele CA8762692.

ClinVar aggregate classification (germline): Likely benign (0 of 4 stars; one submission).

Conditions:
TMEM94-related disorder. Also called: TMEM94-related condition.

Allele frequency attached by ClinVar (database versions not stated): gnomAD 0.00002; ExAC 0.00004; TOPMed 0.00004; gnomAD exomes 0.00005.
gnomAD v4.1: 29 of 1,590,634 alleles (0.0018%); highest among the groups gnomAD compares: Admixed American, 0.048%; no homozygotes.

Submission:

PreventionGenetics, part of Exact Sciences
Classification: Likely benign for TMEM94-related condition. Last evaluated: 2019-04-29. Review status: no assertion criteria provided. Collection method: clinical testing. Allele origin: germline.
Comment: This variant is classified as likely benign based on ACMG/AMP sequence variant interpretation guidelines (Richards et al. 2015 PMID: 25741868, with internal and published modifications).